The following is an entry in ClinVar:

ClinVar aggregate classification (germline): Likely pathogenic (1 of 4 stars; one submission).

Conditions:
SETX-related disorder. Also called: SETX-related condition; SETX-related disorders. Identifiers: MedGen CN239403.

Submission:

PreventionGenetics, part of Exact Sciences
Classification: Likely pathogenic for SETX-related condition. Last evaluated: 2023-01-04. Review status: criteria provided, single submitter. Criteria: ACMG Guidelines, 2015. Collection method: clinical testing. Allele origin: germline.
Comment: The SETX c.598_599delAT variant is predicted to result in premature protein termination (p.Ile200*). To our knowledge, this variant has not been reported in the literature or in a large population database, indicating this variant is rare. Nonsense variants in SETX are expected to be pathogenic. This variant is interpreted as likely pathogenic.

NM_015046.7(SETX):c.598_599del (p.Val199_Ile200insTer)

Gene: SETX (senataxin; minus strand). Cytogenetic location: 9q34.13.
Variant type: Deletion.
Coding change: c.598_599del on transcript NM_015046.7 (MANE Select); coding-DNA positions 598 to 599, 2 bases deleted (AT; older notation c.598_599delAT).
Protein change: p.Val199_Ile200insTer.
Molecular consequence: nonsense.
Genome position (GRCh38, 1-based): chr9:132,336,415-132,336,416, AT deleted on the plus strand (AT on the coding strand, the reverse complement: SETX is on the minus strand). VCF-style (leftmost placement, unchanged base first): chr9-132336414-AAT-A. GRCh37 (hg19) VCF-style: chr9-135211801-AAT-A.
Other names: c.598_599del, p.Val199_Ile200insTer (NM_001351527.2, NM_001351528.2).
Identifiers: ClinVar variation 2630062 (VCV002630062.1), dbSNP rs2539180244, ClinGen allele CA2695199431.